The following is an entry in ClinVar:

NM_001042492.3(NF1):c.7299A>G (p.Thr2433=)

Gene: NF1 (neurofibromin 1; plus strand). Cytogenetic location: 17q11.2.
Variant type: single nucleotide variant.
Coding change: c.7299A>G on transcript NM_001042492.3 (MANE Select); coding-DNA position 7299, A replaced by G.
Protein change: p.Thr2433=; no amino-acid change (threonine 2433 retained).
Molecular consequence: synonymous variant.
Genome position (GRCh38, 1-based): chr17:31,349,229, A>G. VCF-style: chr17-31349229-A-G. GRCh37 (hg19) VCF-style: chr17-29676247-A-G.
Other names: c.7236A>G, p.Thr2412= (NM_000267.4).
Identifiers: ClinVar variation 1757832 (VCV001757832.3), dbSNP rs1056697992, ClinGen allele CA499239128.

ClinVar aggregate classification (germline): Benign/Likely benign. Review status: criteria provided, multiple submitters, no conflicts (2 of 4 stars). 2 submissions from 2 submitters: Benign (1); Likely benign (1). Last evaluated 2026-05-21.

Conditions:
Hereditary cancer-predisposing syndrome. Also called: Neoplastic Syndromes, Hereditary; Tumor predisposition; Hereditary neoplastic syndrome; Hereditary Cancer Syndrome. Identifiers: Orphanet 140162, MedGen C0027672, MeSH D009386, MONDO:0015356.
Cardiovascular phenotype. Identifiers: MedGen CN230736.
Neurofibromatosis, type 1 (NF1). Also called: Neurofibromatosis, type I; NEUROFIBROMATOSIS, TYPE I, SOMATIC; Peripheral type neurofibromatosis; VON RECKLINGHAUSEN DISEASE. Identifiers: Orphanet 636, MedGen C0027831, MONDO:0018975, OMIM 162200. Disease mechanism: loss of function.

Allele frequency attached by ClinVar (database versions not stated): gnomAD exomes below 0.00001.
gnomAD v4.1: 3 of 1,613,446 alleles (0.00019%); highest among the groups gnomAD compares: South Asian, 0.0022%; no homozygotes.

Submissions (2):

Myriad Genetics, Inc.
Classification: Benign for Neurofibromatosis, type 1. Last evaluated: 2026-05-21. Review status: criteria provided, single submitter. Criteria: Myriad Autosomal Dominant, Autosomal Recessive and X-Linked Classification Criteria (2023). Collection method: clinical testing. Allele origin: unknown.
Comment: This variant is considered benign. This variant is a silent/synonymous amino acid change and it is not expected to impact splicing.

Ambry Genetics
Classification: Likely benign for Cardiovascular phenotype; Hereditary cancer-predisposing syndrome. Last evaluated: 2022-05-02. Review status: criteria provided, single submitter. Criteria: Ambry Variant Classification Scheme 2023. Collection method: clinical testing. Allele origin: germline.